The following is an entry in ClinVar:

NM_006231.4(POLE):c.2878A>G (p.Asn960Asp)

Gene: POLE (DNA polymerase epsilon, catalytic subunit; minus strand). Cytogenetic location: 12q24.33.
Variant type: single nucleotide variant.
Coding change: c.2878A>G on transcript NM_006231.4 (MANE Select); coding-DNA position 2878, A replaced by G.
Protein change: p.Asn960Asp; replaces asparagine 960 with aspartic acid.
Molecular consequence: missense variant.
Genome position (GRCh38, 1-based): chr12:132,661,151, T>C on the plus strand (A>G on the coding strand, the complement: POLE is on the minus strand). VCF-style: chr12-132661151-T-C. GRCh37 (hg19) VCF-style: chr12-133237737-T-C.
Other names: short protein forms N960D.
Identifiers: ClinVar variation 1398382 (VCV001398382.8), dbSNP rs2138692476, ClinGen allele CA387392944.

ClinVar aggregate classification (germline): Uncertain significance (1 of 4 stars; one submission).

Submission:

Labcorp Genetics (formerly Invitae), Labcorp
Classification: Uncertain significance. Last evaluated: 2023-09-07. Review status: criteria provided, single submitter. Criteria: Invitae Variant Classification Sherloc (09022015). Collection method: clinical testing. Allele origin: germline.
Comment: This sequence change replaces asparagine, which is neutral and polar, with aspartic acid, which is acidic and polar, at codon 960 of the POLE protein (p.Asn960Asp). In summary, the available evidence is currently insufficient to determine the role of this variant in disease. Therefore, it has been classified as a Variant of Uncertain Significance. Advanced modeling of protein sequence and biophysical properties (such as structural, functional, and spatial information, amino acid conservation, physicochemical variation, residue mobility, and thermodynamic stability) performed at Invitae indicates that this missense variant is not expected to disrupt POLE protein function. ClinVar contains an entry for this variant (Variation ID: 1398382). This variant has not been reported in the literature in individuals affected with POLE-related conditions. This variant is not present in population databases (gnomAD no frequency).